The following is an entry in ClinVar:

ClinVar aggregate classification (germline): Uncertain significance (1 of 4 stars; one submission).

Conditions:
Catecholaminergic polymorphic ventricular tachycardia 1. Also called: VENTRICULAR TACHYCARDIA, CATECHOLAMINERGIC POLYMORPHIC, 1, WITH OR WITHOUT ATRIAL DYSFUNCTION AND/OR DILATED CARDIOMYOPATHY; VENTRICULAR TACHYCARDIA, STRESS-INDUCED POLYMORPHIC 1; RYR2-Related Catecholaminergic Polymorphic Ventricular Tachycardia. Identifiers: Orphanet 3286, MedGen C1631597, MONDO:0011484, OMIM 604772.

gnomAD v4.1: 1 of 1,610,120 alleles (0.000062%); highest among the groups gnomAD compares: Non-Finnish European, 0.000085%; no homozygotes.

Submission:

Labcorp Genetics (formerly Invitae), Labcorp
Classification: Uncertain significance for Catecholaminergic polymorphic ventricular tachycardia 1. Last evaluated: 2023-10-13. Review status: criteria provided, single submitter. Criteria: Invitae Variant Classification Sherloc (09022015). Collection method: clinical testing. Allele origin: germline.
Comment: This sequence change replaces threonine, which is neutral and polar, with lysine, which is basic and polar, at codon 1425 of the RYR2 protein (p.Thr1425Lys). This variant is not present in population databases (gnomAD no frequency). This variant has not been reported in the literature in individuals affected with RYR2-related conditions. ClinVar contains an entry for this variant (Variation ID: 1487788). An algorithm developed to predict the effect of missense changes on protein structure and function (PolyPhen-2) suggests that this variant is likely to be tolerated. In summary, the available evidence is currently insufficient to determine the role of this variant in disease. Therefore, it has been classified as a Variant of Uncertain Significance.

NM_001035.3(RYR2):c.4274C>A (p.Thr1425Lys)

Gene: RYR2 (ryanodine receptor 2; plus strand). Cytogenetic location: 1q43.
Variant type: single nucleotide variant.
Coding change: c.4274C>A on transcript NM_001035.3 (MANE Select); coding-DNA position 4274, C replaced by A.
Protein change: p.Thr1425Lys; replaces threonine 1425 with lysine.
Molecular consequence: missense variant.
Genome position (GRCh38, 1-based): chr1:237,591,852, C>A. VCF-style: chr1-237591852-C-A. GRCh37 (hg19) VCF-style: chr1-237755152-C-A.
Other names: short protein forms T1425K.
Identifiers: ClinVar variation 1487788 (VCV001487788.7), dbSNP rs761181641, ClinGen allele CA345398986.